The following is an entry in ClinVar:

NM_001205293.3(CACNA1E):c.4102G>A (p.Val1368Ile)

Gene: CACNA1E (calcium voltage-gated channel subunit alpha1 E; plus strand). Cytogenetic location: 1q25.3.
Variant type: single nucleotide variant.
Coding change: c.4102G>A on transcript NM_001205293.3 (MANE Select); coding-DNA position 4102, G replaced by A.
Protein change: p.Val1368Ile; replaces valine 1368 with isoleucine.
Molecular consequence: missense variant.
Genome position (GRCh38, 1-based): chr1:181,756,068, G>A. VCF-style: chr1-181756068-G-A. GRCh37 (hg19) VCF-style: chr1-181725204-G-A.
Other names: c.4102G>A, p.Val1368Ile (NM_000721.4); c.4045G>A, p.Val1349Ile (NM_001205294.2); short protein forms V1349I, V1368I.
Identifiers: ClinVar variation 1529355 (VCV001529355.34), dbSNP rs574530214, ClinGen allele CA1275770.

ClinVar aggregate classification (germline): Likely benign. Review status: criteria provided, multiple submitters, no conflicts (2 of 4 stars). 3 submissions from 3 submitters: Likely benign (3). Last evaluated 2025-05-22.

Conditions:
Developmental and epileptic encephalopathy, 69. Also called: EPILEPTIC ENCEPHALOPATHY, EARLY INFANTILE, 69. Identifiers: MedGen C4748988, MONDO:0032657, OMIM 618285.

Allele frequency attached by ClinVar (database versions not stated): gnomAD exomes 0.00002 and 0.00004; ExAC 0.00003; gnomAD 0.00003 and 0.00004; 1000 Genomes Project 30x 0.00016; 1000 Genomes Project 0.00020.
gnomAD v4.1: 71 of 1,613,448 alleles (0.0044%); highest among the groups gnomAD compares: Non-Finnish European, 0.0053%; no homozygotes.

Submissions (3):

Labcorp Genetics (formerly Invitae), Labcorp
Classification: Likely benign. Last evaluated: 2025-05-22. Review status: criteria provided, single submitter. Criteria: Invitae Variant Classification Sherloc (09022015). Collection method: clinical testing. Allele origin: germline.

CeGaT Center for Human Genetics Tuebingen
Classification: Likely benign. Last evaluated: 2023-05-01. Review status: criteria provided, single submitter. Criteria: CeGaT Center For Human Genetics Tuebingen Variant Classification Criteria Version 2. Collection method: clinical testing. Allele origin: germline. Affected: yes. Observed: 1 variant allele.
Comment: CACNA1E: PP2, BS2

Genome-Nilou Lab
Classification: Likely benign for Developmental and epileptic encephalopathy, 69. Last evaluated: 2023-04-11. Review status: criteria provided, single submitter. Criteria: ACMG Guidelines, 2015. Collection method: clinical testing. Allele origin: germline. Affected: no.